The following is an entry in ClinVar:

ClinVar aggregate classification (germline): Uncertain significance (1 of 4 stars; one submission).

Conditions:
Inborn genetic diseases. Identifiers: MedGen C0950123, MeSH D030342.

Submission:

Ambry Genetics
Classification: Uncertain significance for Inborn genetic diseases. Last evaluated: 2024-10-15. Review status: criteria provided, single submitter. Criteria: Ambry Variant Classification Scheme 2023. Collection method: clinical testing. Allele origin: germline.
Comment: The p.P68R variant (also known as c.203C>G), located in coding exon 2 of the MBD4 gene, results from a C to G substitution at nucleotide position 203. The proline at codon 68 is replaced by arginine, an amino acid with dissimilar properties. This amino acid position is conserved. In addition, the in silico prediction for this alteration is inconclusive. Based on the available evidence, the clinical significance of this variant remains unclear.

NM_001276270.2(MBD4):c.203C>G (p.Pro68Arg)

Gene: MBD4 (methyl-CpG binding domain 4, DNA glycosylase; minus strand). Cytogenetic location: 3q21.3.
Variant type: single nucleotide variant.
Coding change: c.203C>G on transcript NM_001276270.2 (MANE Select); coding-DNA position 203, C replaced by G.
Protein change: p.Pro68Arg; replaces proline 68 with arginine.
Molecular consequence: missense variant.
Genome position (GRCh38, 1-based): chr3:129,437,852, G>C on the plus strand (C>G on the coding strand, the complement: MBD4 is on the minus strand). VCF-style: chr3-129437852-G-C. GRCh37 (hg19) VCF-style: chr3-129156695-G-C.
Other names: c.203C>G, p.Pro68Arg (NM_001276271.2, NM_001276272.2, NM_001276273.2 and 1 more transcripts); short protein forms P68R.
Identifiers: ClinVar variation 3543754 (VCV003543754.1).